The following is an entry in ClinVar:

NM_001457.4(FLNB):c.542-16T>A

Gene: FLNB (filamin B; plus strand). Cytogenetic location: 3p14.3.
Variant type: single nucleotide variant.
Coding change: c.542-16T>A on transcript NM_001457.4 (MANE Select); 16 bases into the intron before coding-DNA position 542, T replaced by A.
Molecular consequence: intron variant.
Genome position (GRCh38, 1-based): chr3:58,078,701, T>A. VCF-style: chr3-58078701-T-A. GRCh37 (hg19) VCF-style: chr3-58064428-T-A.
Other names: c.542-16T>A (NM_001164318.2, NM_001164319.2, NM_001164317.2).
Identifiers: ClinVar variation 3661486 (VCV003661486.2).

ClinVar aggregate classification (germline): Uncertain significance (1 of 4 stars; one submission).

gnomAD v4.1: 1 of 1,607,134 alleles (0.000062%); highest among the groups gnomAD compares: Non-Finnish European, 0.000085%; no homozygotes.

Submission:

Labcorp Genetics (formerly Invitae), Labcorp
Classification: Uncertain significance. Last evaluated: 2024-08-05. Review status: criteria provided, single submitter. Criteria: Invitae Variant Classification Sherloc (09022015). Collection method: clinical testing. Allele origin: germline.
Comment: This sequence change falls in intron 2 of the FLNB gene. It does not directly change the encoded amino acid sequence of the FLNB protein. This variant is present in population databases (no rsID available, gnomAD 0.0009%). This variant has not been reported in the literature in individuals affected with FLNB-related conditions. Algorithms developed to predict the effect of sequence changes on RNA splicing suggest that this variant may create or strengthen a splice site. In summary, the available evidence is currently insufficient to determine the role of this variant in disease. Therefore, it has been classified as a Variant of Uncertain Significance.